The following is an entry in ClinVar:

ClinVar aggregate classification (germline): Uncertain significance. Review status: criteria provided, multiple submitters, no conflicts (2 of 4 stars). 2 submissions from 2 submitters: Uncertain significance (2). Last evaluated 2024-08-28.

Conditions:
Lissencephaly 4 (LIS4). Also called: Lissencephaly 4 (with microcephaly). Identifiers: Orphanet 1083, MedGen C3151461, MONDO:0013527, OMIM 614019.
Inborn genetic diseases. Identifiers: MedGen C0950123, MeSH D030342.

gnomAD v4.1: 2 of 1,613,764 alleles (0.00012%); highest among the groups gnomAD compares: Non-Finnish European, 0.00017%; no homozygotes.

Submissions (2):

Ambry Genetics
Classification: Uncertain significance for Inborn genetic diseases. Last evaluated: 2024-08-28. Review status: criteria provided, single submitter. Criteria: Ambry Variant Classification Scheme 2023. Collection method: clinical testing. Allele origin: germline.

Regional Center For Medical Genetics Timis, Louis Turcanu Emergency Hospital for Children Timisoara
Classification: Uncertain significance for Lissencephaly 4. Last evaluated: 2024-07-29. Review status: criteria provided, single submitter. Criteria: ACMG Guidelines, 2015. Collection method: research. Allele origin: inherited. Inheritance: Autosomal recessive inheritance. Affected: yes. Observed: 1 homozygote.
Comment: This variant is present in healthy population databases with very low frequency, in heterozygous state (gnomAD v4.1.0). In silico predictions for this missense variant are uncertain. Therefore, the variant was classified as uncertain, according to ACMG 2015 and ClinGen criteria.

NM_017668.3(NDE1):c.224T>C (p.Leu75Pro)

Gene: NDE1 (nudE neurodevelopment protein 1; plus strand). Cytogenetic location: 16p13.11.
Variant type: single nucleotide variant.
Coding change: c.224T>C on transcript NM_017668.3 (MANE Select); coding-DNA position 224, T replaced by C.
Protein change: p.Leu75Pro; replaces leucine 75 with proline.
Molecular consequence: missense variant.
Genome position (GRCh38, 1-based): chr16:15,667,426, T>C. VCF-style: chr16-15667426-T-C. GRCh37 (hg19) VCF-style: chr16-15761283-T-C.
Other names: c.224T>C, p.Leu75Pro (NM_001143979.2); c.224T>C (NM_001143979.1); short protein forms L75P.
Identifiers: ClinVar variation 3338300 (VCV003338300.3).